The following is an entry in ClinVar:

NM_004183.4(BEST1):c.286C>G (p.Gln96Glu)

Gene: BEST1 (bestrophin 1; plus strand). Cytogenetic location: 11q12.3.
Variant type: single nucleotide variant.
Coding change: c.286C>G on transcript NM_004183.4 (MANE Select); coding-DNA position 286, C replaced by G.
Protein change: p.Gln96Glu; replaces glutamine 96 with glutamic acid.
Molecular consequence: missense variant. On other transcripts: non-coding transcript variant (1).
Genome position (GRCh38, 1-based): chr11:61,955,756, C>G. VCF-style: chr11-61955756-C-G. GRCh37 (hg19) VCF-style: chr11-61723228-C-G.
Other names: c.106C>G, p.Gln36Glu (NM_001139443.3, NM_001300786.2, NM_001300787.2); c.-33C>G (NM_001363591.3); c.286C>G, p.Gln96Glu (NM_001363592.2); c.-890C>G (NM_001363593.3); short protein forms Q36E, Q96E.
Identifiers: ClinVar variation 866188 (VCV000866188.14), dbSNP rs980876322, ClinGen allele CA222936244.

ClinVar aggregate classification (germline): Pathogenic/Likely pathogenic. Review status: criteria provided, multiple submitters, no conflicts (2 of 4 stars). 4 submissions from 4 submitters: Pathogenic (3); Likely pathogenic (1). Last evaluated 2025-10-26.

Conditions:
Retinal dystrophy. Also called: Inherited retinal dystrophy. Identifiers: Orphanet 71862, MedGen C0854723, MeSH D058499, MONDO:0019118, HP:0000556.
BEST1-related disorder. Also called: BEST1-related condition; BEST1-related disorders. Identifiers: MedGen CN239200.

Allele frequency attached by ClinVar (database versions not stated): gnomAD exomes 0.00001; TOPMed 0.00001.

Submissions (4):

Labcorp Genetics (formerly Invitae), Labcorp
Classification: Pathogenic. Last evaluated: 2025-10-26. Review status: criteria provided, single submitter. Criteria: Invitae Variant Classification Sherloc (09022015). Collection method: clinical testing. Allele origin: germline.
Comment: This sequence change replaces glutamine, which is neutral and polar, with glutamic acid, which is acidic and polar, at codon 96 of the BEST1 protein (p.Gln96Glu). This variant is present in population databases (no rsID available, gnomAD 0.002%). This missense change has been observed in individuals with autosomal dominant Best disease (PMID: 28559085; internal data). ClinVar contains an entry for this variant (Variation ID: 866188). Invitae Evidence Modeling of protein sequence and biophysical properties (such as structural, functional, and spatial information, amino acid conservation, physicochemical variation, residue mobility, and thermodynamic stability) indicates that this missense variant is expected to disrupt BEST1 protein function with a positive predictive value of 95%. This variant disrupts the p.Gln96 amino acid residue in BEST1. Other variant(s) that disrupt this residue have been observed in individuals with BEST1-related conditions (PMID: 10394929, 12565808, 20381869, 23880862), which suggests that this may be a clinically significant amino acid residue. For these reasons, this variant has been classified as Pathogenic.

Blueprint Genetics
Classification: Pathogenic for BEST1-related disorders. Last evaluated: 2021-11-10. Review status: criteria provided, single submitter. Criteria: ACMG Guidelines, 2015. Collection method: clinical testing. Allele origin: germline. Affected: yes. Observed: 5 variant alleles.

GeneDx
Classification: Likely pathogenic. Last evaluated: 2019-11-06. Review status: criteria provided, single submitter. Criteria: GeneDx Variant Classification Process June 2021. Collection method: clinical testing. Allele origin: germline. Affected: yes.
Comment: Identified in the heterozygous state in individuals with vitelliform macular dystrophy in published literature (Kinnick et al., 2011; Stone et al., 2017); Not observed at a significant frequency in large population cohorts (Lek et al., 2016); In silico analysis, which includes protein predictors and evolutionary conservation, supports a deleterious effect; This variant is associated with the following publications: (PMID: 21273940, 28559085)

Institute of Human Genetics, Univ. Regensburg, Univ. Regensburg
Classification: Pathogenic for Retinal dystrophy. Last evaluated: 2018-01-01. Review status: criteria provided, single submitter. Criteria: ACMG Guidelines, 2015. Collection method: clinical testing. Allele origin: germline. Affected: yes.

Literature cited by the submitters: PubMed 28559085 (cited by Labcorp Genetics (formerly Invitae), Labcorp and Institute of Human Genetics, Univ. Regensburg, Univ. Regensburg); PubMed 10394929 (cited by Labcorp Genetics (formerly Invitae), Labcorp); PubMed 12565808 (cited by Labcorp Genetics (formerly Invitae), Labcorp); PubMed 20381869 (cited by Labcorp Genetics (formerly Invitae), Labcorp); PubMed 23880862 (cited by Labcorp Genetics (formerly Invitae), Labcorp); PubMed 21273940 (cited by Institute of Human Genetics, Univ. Regensburg, Univ. Regensburg); PubMed 36672815 (cited by Institute of Human Genetics, Univ. Regensburg, Univ. Regensburg).